The following is an entry in ClinVar:

NM_005051.3(QARS1):c.947C>T (p.Thr316Met)

Gene: QARS1 (glutaminyl-tRNA synthetase 1; minus strand). Cytogenetic location: 3p21.31.
Variant type: single nucleotide variant.
Coding change: c.947C>T on transcript NM_005051.3 (MANE Select); coding-DNA position 947, C replaced by T.
Protein change: p.Thr316Met; replaces threonine 316 with methionine.
Molecular consequence: missense variant. On other transcripts: non-coding transcript variant (1).
Genome position (GRCh38, 1-based): chr3:49,100,604, G>A on the plus strand (C>T on the coding strand, the complement: QARS1 is on the minus strand). VCF-style: chr3-49100604-G-A. GRCh37 (hg19) VCF-style: chr3-49138037-G-A.
Other names: c.914C>T, p.Thr305Met (NM_001272073.2); short protein forms T305M, T316M.
Identifiers: ClinVar variation 965010 (VCV000965010.5), dbSNP rs151217558, ClinGen allele CA2391938.

ClinVar aggregate classification (germline): Uncertain significance. Review status: criteria provided, multiple submitters, no conflicts (2 of 4 stars). 2 submissions from 2 submitters: Uncertain significance (2). Last evaluated 2023-03-23.

Conditions:
Diffuse cerebral and cerebellar atrophy - intractable seizures - progressive microcephaly syndrome. Also called: Microcephaly, progressive, with seizures and cerebral and cerebellar atrophy. Identifiers: Orphanet 404437, MedGen C4014239, MONDO:0014335, OMIM 615760.

Allele frequency attached by ClinVar (database versions not stated): ExAC 0.00007; gnomAD exomes 0.00007; gnomAD 0.00013 and 0.00014; TOPMed 0.00014; ESP Exome Variant Server 0.00023.

Submissions (2):

Blueprint Genetics
Classification: Uncertain significance. Last evaluated: 2023-03-23. Review status: criteria provided, single submitter. Criteria: ACMG Guidelines, 2015. Collection method: clinical testing. Allele origin: germline.

Labcorp Genetics (formerly Invitae), Labcorp
Classification: Uncertain significance for Diffuse cerebral and cerebellar atrophy - intractable seizures - progressive microcephaly syndrome. Last evaluated: 2022-06-10. Review status: criteria provided, single submitter. Criteria: Invitae Variant Classification Sherloc (09022015). Collection method: clinical testing. Allele origin: germline.
Comment: This sequence change replaces threonine, which is neutral and polar, with methionine, which is neutral and non-polar, at codon 316 of the QARS protein (p.Thr316Met). This variant is present in population databases (rs151217558, gnomAD 0.04%). This variant has not been reported in the literature in individuals affected with QARS-related conditions. ClinVar contains an entry for this variant (Variation ID: 965010). Algorithms developed to predict the effect of missense changes on protein structure and function are either unavailable or do not agree on the potential impact of this missense change (SIFT: "Deleterious"; PolyPhen-2: "Probably Damaging"; Align-GVGD: "Class C0"). In summary, the available evidence is currently insufficient to determine the role of this variant in disease. Therefore, it has been classified as a Variant of Uncertain Significance.